The following is an entry in ClinVar:

NM_173651.4(FSIP2):c.8149A>G (p.Met2717Val)

Genes: FSIP2 (fibrous sheath interacting protein 2; plus strand), FSIP2-AS1 (FSIP2 antisense RNA 1; minus strand). Cytogenetic location: 2q32.1.
Variant type: single nucleotide variant.
Coding change: c.8149A>G on transcript NM_173651.4 (MANE Select); coding-DNA position 8149, A replaced by G.
Protein change: p.Met2717Val; replaces methionine 2717 with valine.
Molecular consequence: missense variant.
Genome position (GRCh38, 1-based): chr2:185,795,285, A>G. VCF-style: chr2-185795285-A-G. GRCh37 (hg19) VCF-style: chr2-186660012-A-G.
Other names: short protein forms M2717V.
Identifiers: ClinVar variation 3034046 (VCV003034046.2), dbSNP rs73045074, ClinGen allele CA2016819.

ClinVar aggregate classification (germline): Benign (0 of 4 stars; one submission).

Conditions:
FSIP2-related disorder. Also called: FSIP2-related condition.

Allele frequency attached by ClinVar (database versions not stated): ExAC 0.00122; gnomAD 0.00897; TOPMed 0.00990; 1000 Genomes Project 0.01078; 1000 Genomes Project 30x 0.01405.
gnomAD v4.1: 2,663 of 1,535,128 alleles (0.17%); highest among the groups gnomAD compares: African/African-American, 3.2%; 38 homozygotes.

Submission:

PreventionGenetics, part of Exact Sciences
Classification: Benign for FSIP2-related condition. Last evaluated: 2019-05-06. Review status: no assertion criteria provided. Collection method: clinical testing. Allele origin: germline.
Comment: This variant is classified as benign based on ACMG/AMP sequence variant interpretation guidelines (Richards et al. 2015 PMID: 25741868, with internal and published modifications).